The following is an entry in ClinVar:

ClinVar aggregate classification (germline): Uncertain significance (1 of 4 stars; one submission).

Allele frequency attached by ClinVar (database versions not stated): gnomAD exomes 0.00001; ExAC 0.00002; TOPMed 0.00002; gnomAD 0.00003.
gnomAD v4.1: 14 of 1,613,578 alleles (0.00087%); highest among the groups gnomAD compares: Admixed American, 0.005%; no homozygotes.

Submission:

Labcorp Genetics (formerly Invitae), Labcorp
Classification: Uncertain significance. Last evaluated: 2023-12-07. Review status: criteria provided, single submitter. Criteria: Invitae Variant Classification Sherloc (09022015). Collection method: clinical testing. Allele origin: germline.
Comment: This sequence change replaces arginine, which is basic and polar, with cysteine, which is neutral and slightly polar, at codon 643 of the LIG1 protein (p.Arg643Cys). This variant is present in population databases (rs757601186, gnomAD 0.009%). This variant has not been reported in the literature in individuals affected with LIG1-related conditions. ClinVar contains an entry for this variant (Variation ID: 1520473). An algorithm developed to predict the effect of missense changes on protein structure and function (PolyPhen-2) suggests that this variant is likely to be disruptive. In summary, the available evidence is currently insufficient to determine the role of this variant in disease. Therefore, it has been classified as a Variant of Uncertain Significance.

NM_000234.3(LIG1):c.1927C>T (p.Arg643Cys)

Gene: LIG1 (DNA ligase 1; minus strand). Cytogenetic location: 19q13.33.
Variant type: single nucleotide variant.
Coding change: c.1927C>T on transcript NM_000234.3 (MANE Select); coding-DNA position 1927, C replaced by T.
Protein change: p.Arg643Cys; replaces arginine 643 with cysteine.
Molecular consequence: missense variant. On other transcripts: non-coding transcript variant (6).
Genome position (GRCh38, 1-based): chr19:48,127,915, G>A on the plus strand (C>T on the coding strand, the complement: LIG1 is on the minus strand). VCF-style: chr19-48127915-G-A. GRCh37 (hg19) VCF-style: chr19-48631172-G-A.
Other names: c.1834C>T, p.Arg612Cys (NM_001289063.2); c.1723C>T, p.Arg575Cys (NM_001289064.2); c.1924C>T, p.Arg642Cys (NM_001320970.2); c.1837C>T, p.Arg613Cys (NM_001320971.2); short protein forms R575C, R643C, R642C, R613C, R612C.
Identifiers: ClinVar variation 1520473 (VCV001520473.7), dbSNP rs757601186, ClinGen allele CA9546642.